The following is an entry in ClinVar:

ClinVar aggregate classification (germline): Conflicting classifications of pathogenicity. Review status: criteria provided, conflicting classifications (1 of 4 stars). 4 submissions from 4 submitters: Uncertain significance (2); Likely benign (2). Last evaluated 2026-03-01.

Conditions:
Inborn genetic diseases. Identifiers: MedGen C0950123, MeSH D030342.

Allele frequency attached by ClinVar (database versions not stated): gnomAD 0.00022 and 0.00024; ExAC 0.00026; TOPMed 0.00026; gnomAD exomes 0.00027 and 0.00035; ESP Exome Variant Server 0.00038.

Submissions (4):

CeGaT Center for Human Genetics Tuebingen
Classification: Likely benign. Last evaluated: 2026-03-01. Review status: criteria provided, single submitter. Criteria: CeGaT Center For Human Genetics Tuebingen Variant Classification Criteria Version 2. Collection method: clinical testing. Allele origin: germline. Affected: yes. Observed: 3 variant alleles.
Comment: YARS2: BP4

Labcorp Genetics (formerly Invitae), Labcorp
Classification: Likely benign. Last evaluated: 2025-12-31. Review status: criteria provided, single submitter. Criteria: Invitae Variant Classification Sherloc (09022015). Collection method: clinical testing. Allele origin: germline.

GeneDx
Classification: Uncertain significance. Last evaluated: 2025-07-07. Review status: criteria provided, single submitter. Criteria: GeneDx Variant Classification Process June 2021. Collection method: clinical testing. Allele origin: germline. Affected: yes.
Comment: In silico analysis suggests that this missense variant does not alter protein structure/function; Has not been previously published as pathogenic or benign to our knowledge; This variant is associated with the following publications: (PMID: 26740555)

Ambry Genetics
Classification: Uncertain significance for Inborn genetic diseases. Last evaluated: 2024-05-16. Review status: criteria provided, single submitter. Criteria: Ambry Variant Classification Scheme 2023. Collection method: clinical testing. Allele origin: germline.

NM_001040436.3(YARS2):c.928C>T (p.Pro310Ser)

Gene: YARS2 (tyrosyl-tRNA synthetase 2; minus strand). Cytogenetic location: 12p11.21.
Variant type: single nucleotide variant.
Coding change: c.928C>T on transcript NM_001040436.3 (MANE Select); coding-DNA position 928, C replaced by T.
Protein change: p.Pro310Ser; replaces proline 310 with serine.
Molecular consequence: missense variant.
Genome position (GRCh38, 1-based): chr12:32,753,937, G>A on the plus strand (C>T on the coding strand, the complement: YARS2 is on the minus strand). VCF-style: chr12-32753937-G-A. GRCh37 (hg19) VCF-style: chr12-32906871-G-A.
Other names: short protein forms P310S.
Identifiers: ClinVar variation 215419 (VCV000215419.44), dbSNP rs199885274, ClinGen allele CA322385.
Genomic context (GRCh38, chr12:32,753,937, plus strand): 5'-TTATGGTGTCAGTTTTTCTCAGCCCATTATTCAGAACTCACCTTTCCACTGAATCGTCCG[G>A]TTGCCTGACAAAGAATTGATACAATTCAAATGGAGATGTCTTATCTCTGTTTAGCCAAAC-3'
Protein context (NP_001035526.1, residues 300-320): FELYQFFVRQ[Pro310Ser]DDSVERYLKL